The following is an entry in ClinVar:

ClinVar aggregate classification (germline): Pathogenic/Likely pathogenic. Review status: criteria provided, multiple submitters, no conflicts (2 of 4 stars). 3 submissions from 3 submitters: Pathogenic (2); Likely pathogenic (1). Last evaluated 2024-10-01.

Conditions:
Autosomal recessive nonsyndromic hearing loss 59. Identifiers: Orphanet 90636, MedGen C1857744, MONDO:0012445, OMIM 610220.

Allele frequency attached by ClinVar (database versions not stated): ExAC 0.00001; gnomAD 0.00001; TOPMed 0.00003.
gnomAD v4.1: 17 of 1,613,964 alleles (0.0011%); highest among the groups gnomAD compares: East Asian, 0.0022%; no homozygotes.

Submissions (3):

GeneDx
Classification: Pathogenic. Last evaluated: 2024-10-01. Review status: criteria provided, single submitter. Criteria: GeneDx Variant Classification Process June 2021. Collection method: clinical testing. Allele origin: germline. Affected: yes.
Comment: Reported in association with hearing loss in published literature; however, additional information is not available (PMID: 28964305); Nonsense variant predicted to result in protein truncation or nonsense mediated decay in a gene for which loss of function is a known mechanism of disease; Not observed at significant frequency in large population cohorts (gnomAD); This variant is associated with the following publications: (PMID: 28964305)

Fulgent Genetics
Classification: Likely pathogenic for Autosomal recessive nonsyndromic hearing loss 59. Last evaluated: 2024-05-24. Review status: criteria provided, single submitter. Criteria: ACMG Guidelines, 2015. Collection method: clinical testing. Allele origin: germline.

Labcorp Genetics (formerly Invitae), Labcorp
Classification: Pathogenic. Last evaluated: 2024-01-08. Review status: criteria provided, single submitter. Criteria: Invitae Variant Classification Sherloc (09022015). Collection method: clinical testing. Allele origin: germline.
Comment: This sequence change creates a premature translational stop signal (p.Arg164*) in the DFNB59 gene. It is expected to result in an absent or disrupted protein product. Loss-of-function variants in DFNB59 are known to be pathogenic (PMID: 17301963, 17718875). This variant is present in population databases (rs750448421, gnomAD 0.006%). This premature translational stop signal has been observed in individual(s) with deafness (PMID: 28964305). For these reasons, this variant has been classified as Pathogenic.

Literature cited by the submitters: PubMed 17301963 (cited by Labcorp Genetics (formerly Invitae), Labcorp); PubMed 17718875 (cited by Labcorp Genetics (formerly Invitae), Labcorp); PubMed 28964305 (cited by Labcorp Genetics (formerly Invitae), Labcorp).

NM_001042702.5(PJVK):c.490C>T (p.Arg164Ter)

Gene: PJVK (pejvakin; plus strand). Cytogenetic location: 2q31.2.
Variant type: single nucleotide variant.
Coding change: c.490C>T on transcript NM_001042702.5 (MANE Select); coding-DNA position 490, C replaced by T.
Protein change: p.Arg164Ter; replaces arginine 164 with a stop codon.
Molecular consequence: nonsense.
Genome position (GRCh38, 1-based): chr2:178,456,092, C>T. VCF-style: chr2-178456092-C-T. GRCh37 (hg19) VCF-style: chr2-179320819-C-T.
Other names: c.490C>T (NM_001042702.3); c.499C>T, p.Arg167Ter (NM_001353775.2); c.595C>T, p.Arg199Ter (NM_001353776.2); c.13C>T, p.Arg5Ter (NM_001353777.1, NM_001353778.2); c.490C>T, p.Arg164Ter (NM_001369912.1); short protein forms R199*, R164*, R167*, R5*.
Identifiers: ClinVar variation 2987848 (VCV002987848.5), dbSNP rs750448421, ClinGen allele CA1984207.